The following is an entry in ClinVar:

ClinVar aggregate classification (germline): Uncertain significance (1 of 4 stars; one submission).

Conditions:
Charcot-Marie-Tooth disease type 4. Also called: Charcot-Marie-Tooth disease, type IV; Charcot-Marie-Tooth, Type 4. Identifiers: Orphanet 64749, MedGen C4082197, MONDO:0018995.

gnomAD v4.1: 2 of 1,613,448 alleles (0.00012%); highest among the groups gnomAD compares: Non-Finnish European, 0.00017%; no homozygotes.

Submission:

Labcorp Genetics (formerly Invitae), Labcorp
Classification: Uncertain significance for Charcot-Marie-Tooth disease type 4. Last evaluated: 2022-10-17. Review status: criteria provided, single submitter. Criteria: Invitae Variant Classification Sherloc (09022015). Collection method: clinical testing. Allele origin: germline.
Comment: In summary, the available evidence is currently insufficient to determine the role of this variant in disease. Therefore, it has been classified as a Variant of Uncertain Significance. Algorithms developed to predict the effect of missense changes on protein structure and function are either unavailable or do not agree on the potential impact of this missense change (SIFT: "Tolerated"; PolyPhen-2: "Probably Damaging"; Align-GVGD: "Class C0"). ClinVar contains an entry for this variant (Variation ID: 1046419). This variant has not been reported in the literature in individuals affected with FIG4-related conditions. This variant is not present in population databases (gnomAD no frequency). This sequence change replaces arginine, which is basic and polar, with tryptophan, which is neutral and slightly polar, at codon 739 of the FIG4 protein (p.Arg739Trp).

NM_014845.6(FIG4):c.2215C>T (p.Arg739Trp)

Gene: FIG4 (FIG4 phosphoinositide 5-phosphatase; plus strand). Cytogenetic location: 6q21.
Variant type: single nucleotide variant.
Coding change: c.2215C>T on transcript NM_014845.6 (MANE Select); coding-DNA position 2215, C replaced by T.
Protein change: p.Arg739Trp; replaces arginine 739 with tryptophan.
Molecular consequence: missense variant.
Genome position (GRCh38, 1-based): chr6:109,791,410, C>T. VCF-style: chr6-109791410-C-T. GRCh37 (hg19) VCF-style: chr6-110112613-C-T.
Other names: short protein forms R739W.
Identifiers: ClinVar variation 1046419 (VCV001046419.8), dbSNP rs773877685, ClinGen allele CA365215977.
Genomic context (GRCh38, chr6:109,791,410, plus strand): 5'-TCACTTCCATATTATTCTTTTAAAAGAAACAAAAGCAATAGAGAAGAAGCTGTATTACAG[C>T]GGAAAACGGCAGCCAGCGCCCCGCCGCCCCCCAGCGAGGAGGCTGTGTCCAGCAGCTCTG-3'
Protein context (NP_055660.1, residues 729-749): KSNREEAVLQ[Arg739Trp]KTAASAPPPP